The following is an entry in ClinVar:

NM_024408.4(NOTCH2):c.5993A>G (p.Lys1998Arg)

Gene: NOTCH2 (notch receptor 2; minus strand). Cytogenetic location: 1p12.
Variant type: single nucleotide variant.
Coding change: c.5993A>G on transcript NM_024408.4 (MANE Select); coding-DNA position 5993, A replaced by G.
Protein change: p.Lys1998Arg; replaces lysine 1998 with arginine.
Molecular consequence: missense variant.
Genome position (GRCh38, 1-based): chr1:119,917,699, T>C on the plus strand (A>G on the coding strand, the complement: NOTCH2 is on the minus strand). VCF-style: chr1-119917699-T-C. GRCh37 (hg19) VCF-style: chr1-120460322-T-C.
Other names: short protein forms K1998R.
Identifiers: ClinVar variation 3359363 (VCV003359363.1).

ClinVar aggregate classification (germline): Uncertain significance (1 of 4 stars; one submission).

Submission:

GeneDx
Classification: Uncertain significance. Last evaluated: 2023-06-05. Review status: criteria provided, single submitter. Criteria: GeneDx Variant Classification Process June 2021. Collection method: clinical testing. Allele origin: germline. Affected: yes.
Comment: Has not been previously published as pathogenic or benign to our knowledge; Not observed at significant frequency in large population cohorts (gnomAD); In silico analysis supports that this missense variant does not alter protein structure/function